The following is an entry in ClinVar:

NM_004369.4(COL6A3):c.9196_9200del (p.Val3066fs)

Gene: COL6A3 (collagen type VI alpha 3 chain; minus strand). Cytogenetic location: 2q37.3.
Variant type: Deletion.
Coding change: c.9196_9200del on transcript NM_004369.4 (MANE Select); coding-DNA positions 9196 to 9200, 5 bases deleted (GTCAG; older notation c.9196_9200delGTCAG).
Protein change: p.Val3066fs; shifts the reading frame from valine 3066.
Molecular consequence: frameshift variant.
Genome position (GRCh38, 1-based): chr2:237,334,655-237,334,659, CTGAC deleted on the plus strand (GTCAG on the coding strand, the reverse complement: COL6A3 is on the minus strand); deleting any 5 consecutive bases within chr2:237,334,655-237,334,663 gives the same sequence; the c. name uses the placement nearest the transcript's 3' end. VCF-style (leftmost placement, unchanged base first): chr2-237334654-TCTGAC-T. GRCh37 (hg19) VCF-style: chr2-238243297-TCTGAC-T.
Other names: c.7375_7379del, p.Val2459fs (NM_057166.5); c.8578_8582del, p.Val2860fs (NM_057167.4); short protein forms V2459fs, V3066fs, V2860fs.
Identifiers: ClinVar variation 4713161 (VCV004713161.1).

ClinVar aggregate classification (germline): Pathogenic (1 of 4 stars; one submission).

Conditions:
Bethlem myopathy 1A. Also called: MYOPATHY, BENIGN CONGENITAL, WITH CONTRACTURES; Bethlem myopathy 1; Bethlem Muscular Dystrophy. Identifiers: Orphanet 610, MedGen CN029274, MONDO:0024530, OMIM 158810.

Submission:

Labcorp Genetics (formerly Invitae), Labcorp
Classification: Pathogenic for Bethlem myopathy 1A. Last evaluated: 2025-07-30. Review status: criteria provided, single submitter. Criteria: Invitae Variant Classification Sherloc (09022015). Collection method: clinical testing. Allele origin: germline.
Comment: This sequence change creates a premature translational stop signal (p.Val3066Serfs*25) in the COL6A3 gene. It is expected to result in an absent or disrupted protein product. Loss-of-function variants in COL6A3 are known to be pathogenic (PMID: 26004199). This variant is not present in population databases (gnomAD no frequency). This variant has not been reported in the literature in individuals affected with COL6A3-related conditions. For these reasons, this variant has been classified as Pathogenic.

Literature cited by the submitters: PubMed 26004199.